The following is an entry in ClinVar:

ClinVar aggregate classification (germline): Uncertain significance (1 of 4 stars; one submission).

Allele frequency attached by ClinVar (database versions not stated): gnomAD exomes below 0.00001.
gnomAD v4.1: 1 of 1,547,684 alleles (0.000065%); highest among the groups gnomAD compares: East Asian, 0.0024%; no homozygotes.

Submission:

Labcorp Genetics (formerly Invitae), Labcorp
Classification: Uncertain significance. Last evaluated: 2024-05-15. Review status: criteria provided, single submitter. Criteria: Invitae Variant Classification Sherloc (09022015). Collection method: clinical testing. Allele origin: germline.
Comment: This sequence change replaces leucine, which is neutral and non-polar, with proline, which is neutral and non-polar, at codon 4 of the EARS2 protein (p.Leu4Pro). The frequency data for this variant in the population databases is considered unreliable, as metrics indicate poor data quality at this position in the gnomAD database. This variant has not been reported in the literature in individuals affected with EARS2-related conditions. ClinVar contains an entry for this variant (Variation ID: 2000493). Advanced modeling of protein sequence and biophysical properties (such as structural, functional, and spatial information, amino acid conservation, physicochemical variation, residue mobility, and thermodynamic stability) performed at Invitae indicates that this missense variant is not expected to disrupt EARS2 protein function with a negative predictive value of 95%. In summary, the available evidence is currently insufficient to determine the role of this variant in disease. Therefore, it has been classified as a Variant of Uncertain Significance.

NM_001083614.2(EARS2):c.11T>C (p.Leu4Pro)

Gene: EARS2 (glutamyl-tRNA synthetase 2, mitochondrial; minus strand). Cytogenetic location: 16p12.2.
Variant type: single nucleotide variant.
Coding change: c.11T>C on transcript NM_001083614.2 (MANE Select); coding-DNA position 11, T replaced by C.
Protein change: p.Leu4Pro; replaces leucine 4 with proline.
Molecular consequence: missense variant. On other transcripts: non-coding transcript variant (1).
Genome position (GRCh38, 1-based): chr16:23,557,333, A>G on the plus strand (T>C on the coding strand, the complement: EARS2 is on the minus strand). VCF-style: chr16-23557333-A-G. GRCh37 (hg19) VCF-style: chr16-23568654-A-G.
Other names: c.11T>C, p.Leu4Pro (NM_001308211.1); short protein forms L4P.
Identifiers: ClinVar variation 2000493 (VCV002000493.4), dbSNP rs1462990416, ClinGen allele CA395142850.